The following is an entry in ClinVar:

ClinVar aggregate classification (germline): Uncertain significance (1 of 4 stars; one submission).

Conditions:
Ataxia-telangiectasia syndrome (AT). Also called: Ataxia telangiectasia (A-T); LOUIS-BAR SYNDROME; Cerebello-oculocutaneous telangiectasia; Immunodeficiency with ataxia telangiectasia; Ataxia-telangiectasia, complementation group D; AT, COMPLEMENTATION GROUP C. Identifiers: Orphanet 100, MedGen C0004135, MONDO:0008840, OMIM 208900.

Submission:

Labcorp Genetics (formerly Invitae), Labcorp
Classification: Uncertain significance for Ataxia-telangiectasia syndrome. Last evaluated: 2022-09-11. Review status: criteria provided, single submitter. Criteria: Invitae Variant Classification Sherloc (09022015). Collection method: clinical testing. Allele origin: germline.
Comment: This variant is not present in population databases (gnomAD no frequency). This sequence change replaces asparagine, which is neutral and polar, with tyrosine, which is neutral and polar, at codon 2070 of the ATM protein (p.Asn2070Tyr). This variant has not been reported in the literature in individuals affected with ATM-related conditions. Algorithms developed to predict the effect of missense changes on protein structure and function are either unavailable or do not agree on the potential impact of this missense change (SIFT: "Deleterious"; PolyPhen-2: "Benign"; Align-GVGD: "Class C65"). In summary, the available evidence is currently insufficient to determine the role of this variant in disease. Therefore, it has been classified as a Variant of Uncertain Significance.

NM_000051.4(ATM):c.6208A>T (p.Asn2070Tyr)

Genes: C11orf65 (chromosome 11 open reading frame 65; minus strand), ATM (ATM serine/threonine kinase; plus strand). Cytogenetic location: 11q22.3.
Variant type: single nucleotide variant.
Coding change: c.6208A>T on transcript NM_000051.4 (MANE Select); coding-DNA position 6208, A replaced by T.
Protein change: p.Asn2070Tyr; replaces asparagine 2070 with tyrosine.
Molecular consequence: missense variant. On other transcripts: intron variant (2).
Genome position (GRCh38, 1-based): chr11:108,317,382, A>T. VCF-style: chr11-108317382-A-T. GRCh37 (hg19) VCF-style: chr11-108188109-A-T.
Other names: c.6208A>T, p.Asn2070Tyr (NM_001351834.2); c.641-8311T>A (NM_001330368.2); c.*39-8311T>A (NM_001351110.2); short protein forms N2070Y.
Identifiers: ClinVar variation 1719250 (VCV001719250.6), dbSNP rs2136162879, ClinGen allele CA382551055.